The following is an entry in ClinVar:

NM_003036.4(SKI):c.593C>A (p.Pro198His)

Gene: SKI (SKI proto-oncogene; plus strand). Cytogenetic location: 1p36.33.
Variant type: single nucleotide variant.
Coding change: c.593C>A on transcript NM_003036.4 (MANE Select); coding-DNA position 593, C replaced by A.
Protein change: p.Pro198His; replaces proline 198 with histidine.
Molecular consequence: missense variant.
Genome position (GRCh38, 1-based): chr1:2,229,359, C>A. VCF-style: chr1-2229359-C-A. GRCh37 (hg19) VCF-style: chr1-2160798-C-A.
Other names: short protein forms P198H.
Identifiers: ClinVar variation 3769772 (VCV003769772.1).

ClinVar aggregate classification (germline): Uncertain significance (1 of 4 stars; one submission).

gnomAD v4.1: 1 of 1,598,512 alleles (0.000063%); highest among the groups gnomAD compares: Non-Finnish European, 0.000085%; no homozygotes.

Submission:

GeneDx
Classification: Uncertain significance. Last evaluated: 2024-09-17. Review status: criteria provided, single submitter. Criteria: GeneDx Variant Classification Process June 2021. Collection method: clinical testing. Allele origin: germline. Affected: yes.
Comment: Not observed at significant frequency in large population cohorts (gnomAD); In silico analysis indicates that this missense variant does not alter protein structure/function; Has not been previously published as pathogenic or benign to our knowledge